The following is an entry in ClinVar:

NC_000023.11:g.(?_31657980)_(31774202_?)del

Gene: DMD (dystrophin; minus strand). Cytogenetic location: Xp21.1.
Variant type: Deletion.
Identifiers: ClinVar variation 832817 (VCV000832817.1).

ClinVar aggregate classification (germline): Pathogenic (1 of 4 stars; one submission).

Conditions:
Duchenne muscular dystrophy (DMD). Also called: Duchenne Muscular Dystrophy (DMD); MUSCULAR DYSTROPHY, PSEUDOHYPERTROPHIC PROGRESSIVE, DUCHENNE TYPE. Identifiers: Orphanet 98896, MedGen C0013264, MONDO:0010679, OMIM 310200.

Submission:

Labcorp Genetics (formerly Invitae), Labcorp
Classification: Pathogenic for Duchenne muscular dystrophy. Last evaluated: 2019-12-23. Review status: criteria provided, single submitter. Criteria: Invitae Variant Classification Sherloc (09022015). Collection method: clinical testing. Allele origin: germline.
Comment: This variant is an out-of-frame deletion of the genomic region encompassing exons 51-54 of the DMD gene. This is expected to create a premature translational stop signal and result in an absent or disrupted protein product. A similar copy number variant has been reported in female relatives of an individual affected with Duchenne muscular dystrophy (PMID: 15841391). Loss-of-function variants in DMD are known to be pathogenic (PMID: 16770791, 25007885). For these reasons, this variant has been classified as Pathogenic.

Literature cited by the submitters: PubMed 15841391.